The following is an entry in ClinVar:

ClinVar aggregate classification (germline): Uncertain significance. Review status: criteria provided, multiple submitters, no conflicts (2 of 4 stars). 2 submissions from 2 submitters: Uncertain significance (2). Last evaluated 2025-01-11.

Allele frequency attached by ClinVar (database versions not stated): ExAC 0.00002; 1000 Genomes Project 30x 0.00016; 1000 Genomes Project 0.00020.

Submissions (2):

Labcorp Genetics (formerly Invitae), Labcorp
Classification: Uncertain significance. Last evaluated: 2025-01-11. Review status: criteria provided, single submitter. Criteria: Invitae Variant Classification Sherloc (09022015). Collection method: clinical testing. Allele origin: germline.
Comment: This sequence change replaces proline, which is neutral and non-polar, with leucine, which is neutral and non-polar, at codon 100 of the LZTS1 protein (p.Pro100Leu). This variant is present in population databases (rs559961823, gnomAD 0.02%). This variant has not been reported in the literature in individuals affected with LZTS1-related conditions. ClinVar contains an entry for this variant (Variation ID: 1393711). Invitae Evidence Modeling of protein sequence and biophysical properties (such as structural, functional, and spatial information, amino acid conservation, physicochemical variation, residue mobility, and thermodynamic stability) indicates that this missense variant is not expected to disrupt LZTS1 protein function with a negative predictive value of 80%. In summary, the available evidence is currently insufficient to determine the role of this variant in disease. Therefore, it has been classified as a Variant of Uncertain Significance.

Ambry Genetics
Classification: Uncertain significance. Last evaluated: 2023-06-22. Review status: criteria provided, single submitter. Criteria: Ambry Variant Classification Scheme 2023. Collection method: clinical testing. Allele origin: germline.

NM_021020.5(LZTS1):c.299C>T (p.Pro100Leu)

Gene: LZTS1 (leucine zipper tumor suppressor 1; minus strand). Cytogenetic location: 8p21.3.
Variant type: single nucleotide variant.
Coding change: c.299C>T on transcript NM_021020.5 (MANE Select); coding-DNA position 299, C replaced by T.
Protein change: p.Pro100Leu; replaces proline 100 with leucine.
Molecular consequence: missense variant.
Genome position (GRCh38, 1-based): chr8:20,254,883, G>A on the plus strand (C>T on the coding strand, the complement: LZTS1 is on the minus strand). VCF-style: chr8-20254883-G-A. GRCh37 (hg19) VCF-style: chr8-20112394-G-A.
Other names: c.299C>T, p.Pro100Leu (NM_001362884.2); c.299C>T (NM_021020.2); short protein forms P100L.
Identifiers: ClinVar variation 1393711 (VCV001393711.7), dbSNP rs559961823, ClinGen allele CA4657567.